The following is an entry in ClinVar:

NM_001384474.1(LOXHD1):c.3712G>T (p.Asp1238Tyr)

Gene: LOXHD1 (lipoxygenase homology PLAT domains 1; minus strand). Cytogenetic location: 18q21.1.
Variant type: single nucleotide variant.
Coding change: c.3712G>T on transcript NM_001384474.1 (MANE Select); coding-DNA position 3712, G replaced by T.
Protein change: p.Asp1238Tyr; replaces aspartic acid 1238 with tyrosine.
Molecular consequence: missense variant.
Genome position (GRCh38, 1-based): chr18:46,542,763, C>A on the plus strand (G>T on the coding strand, the complement: LOXHD1 is on the minus strand). VCF-style: chr18-46542763-C-A. GRCh37 (hg19) VCF-style: chr18-44122726-C-A.
Other names: c.379G>T, p.Asp127Tyr (NM_001145472.3); c.91G>T, p.Asp31Tyr (NM_001308013.2); c.3712G>T, p.Asp1238Tyr (NM_144612.7); short protein forms D1238Y, D127Y, D31Y.
Identifiers: ClinVar variation 1379854 (VCV001379854.6), dbSNP rs2144370861, ClinGen allele CA402377928.

ClinVar aggregate classification (germline): Uncertain significance (1 of 4 stars; one submission).

Submission:

Labcorp Genetics (formerly Invitae), Labcorp
Classification: Uncertain significance. Last evaluated: 2024-12-02. Review status: criteria provided, single submitter. Criteria: Invitae Variant Classification Sherloc (09022015). Collection method: clinical testing. Allele origin: germline.
Comment: This sequence change replaces aspartic acid, which is acidic and polar, with tyrosine, which is neutral and polar, at codon 1238 of the LOXHD1 protein (p.Asp1238Tyr). This variant is not present in population databases (gnomAD no frequency). This variant has not been reported in the literature in individuals affected with LOXHD1-related conditions. ClinVar contains an entry for this variant (Variation ID: 1379854). An algorithm developed to predict the effect of missense changes on protein structure and function (PolyPhen-2) suggests that this variant is likely to be disruptive. In summary, the available evidence is currently insufficient to determine the role of this variant in disease. Therefore, it has been classified as a Variant of Uncertain Significance.